The following is an entry in ClinVar:

NM_000222.3(KIT):c.2125T>G (p.Ser709Ala)

Gene: KIT (KIT proto-oncogene, receptor tyrosine kinase; plus strand). Cytogenetic location: 4q12.
Variant type: single nucleotide variant.
Coding change: c.2125T>G on transcript NM_000222.3 (MANE Select); coding-DNA position 2125, T replaced by G.
Protein change: p.Ser709Ala; replaces serine 709 with alanine.
Molecular consequence: missense variant.
Genome position (GRCh38, 1-based): chr4:54,729,469, T>G. VCF-style: chr4-54729469-T-G. GRCh37 (hg19) VCF-style: chr4-55595635-T-G.
Other names: c.2113T>G, p.Ser705Ala (NM_001093772.2, NM_001385286.1); c.2128T>G, p.Ser710Ala (NM_001385284.1, NM_001385290.1); c.2125T>G, p.Ser709Ala (NM_001385285.1); c.2116T>G, p.Ser706Ala (NM_001385288.1, NM_001385292.1); short protein forms S705A, S709A, S706A, S710A.
Identifiers: ClinVar variation 3637950 (VCV003637950.2).

ClinVar aggregate classification (germline): Uncertain significance (1 of 4 stars; one submission).

Conditions:
Gastrointestinal stromal tumor. Also called: Gastrointestinal stromal tumor, somatic; Gastrointestinal stroma tumor. Identifiers: Orphanet 44890, MedGen C0238198, MeSH D046152, MONDO:0011719, OMIM 606764, HP:0100723.

Submission:

Labcorp Genetics (formerly Invitae), Labcorp
Classification: Uncertain significance for Gastrointestinal stromal tumor. Last evaluated: 2024-02-01. Review status: criteria provided, single submitter. Criteria: Invitae Variant Classification Sherloc (09022015). Collection method: clinical testing. Allele origin: germline.
Comment: This sequence change replaces serine, which is neutral and polar, with alanine, which is neutral and non-polar, at codon 709 of the KIT protein (p.Ser709Ala). This variant is not present in population databases (gnomAD no frequency). This variant has not been reported in the literature in individuals affected with KIT-related conditions. An algorithm developed to predict the effect of missense changes on protein structure and function (PolyPhen-2) suggests that this variant is likely to be tolerated. In summary, the available evidence is currently insufficient to determine the role of this variant in disease. Therefore, it has been classified as a Variant of Uncertain Significance.